The following is an entry in ClinVar:

NM_002230.4(JUP):c.1306G>A (p.Glu436Lys)

Gene: JUP (junction plakoglobin; minus strand). Cytogenetic location: 17q21.2.
Variant type: single nucleotide variant.
Coding change: c.1306G>A on transcript NM_002230.4 (MANE Select); coding-DNA position 1306, G replaced by A.
Protein change: p.Glu436Lys; replaces glutamic acid 436 with lysine.
Molecular consequence: missense variant.
Genome position (GRCh38, 1-based): chr17:41,763,174, C>T on the plus strand (G>A on the coding strand, the complement: JUP is on the minus strand). VCF-style: chr17-41763174-C-T. GRCh37 (hg19) VCF-style: chr17-39919426-C-T.
Other names: c.1306G>A, p.Glu436Lys (NM_001352773.2, NM_001352774.2, NM_001352775.2 and 3 more transcripts); short protein forms E436K.
Identifiers: ClinVar variation 1019086 (VCV001019086.8), dbSNP rs1915172914, ClinGen allele CA399497274.

ClinVar aggregate classification (germline): Uncertain significance (1 of 4 stars; one submission).

Conditions:
Arrhythmogenic right ventricular dysplasia 12. Also called: ARRHYTHMOGENIC RIGHT VENTRICULAR DYSPLASIA, FAMILIAL, 12. Identifiers: MedGen C1969081, MONDO:0012684, OMIM 611528.
Naxos disease (NXD). Also called: WOOLLY HAIR, PALMOPLANTAR KERATODERMA, AND CARDIAC ABNORMALITIES; KERATOSIS PALMOPLANTARIS WITH ARRHYTHMOGENIC CARDIOMYOPATHY; MAL DE NAXOS; PALMOPLANTAR KERATODERMA WITH ARRHYTHMOGENIC RIGHT VENTRICULAR CARDIOMYOPATHY AND WOOLLY HAIR; CARDIOMYOPATHY, ARRHYTHMOGENIC RIGHT VENTRICULAR, WITH SKIN, HAIR, AND NAIL ABNORMALITIES. Identifiers: Orphanet 34217, MedGen C1832600, MONDO:0011017, OMIM 601214.

Allele frequency attached by ClinVar (database versions not stated): gnomAD exomes below 0.00001.
gnomAD v4.1: 3 of 1,614,242 alleles (0.00019%); highest among the groups gnomAD compares: Non-Finnish European, 0.00025%; no homozygotes.

Submission:

Labcorp Genetics (formerly Invitae), Labcorp
Classification: Uncertain significance for Arrhythmogenic right ventricular dysplasia 12; Naxos disease. Last evaluated: 2020-09-24. Review status: criteria provided, single submitter. Criteria: Invitae Variant Classification Sherloc (09022015). Collection method: clinical testing. Allele origin: germline.
Comment: In summary, the available evidence is currently insufficient to determine the role of this variant in disease. Therefore, it has been classified as a Variant of Uncertain Significance. Algorithms developed to predict the effect of missense changes on protein structure and function are either unavailable or do not agree on the potential impact of this missense change (SIFT: "Deleterious"; PolyPhen-2: "Probably Damaging"; Align-GVGD: "Class C0"). This variant has not been reported in the literature in individuals with JUP-related conditions. This variant is not present in population databases (ExAC no frequency). This sequence change replaces glutamic acid with lysine at codon 436 of the JUP protein (p.Glu436Lys). The glutamic acid residue is moderately conserved and there is a small physicochemical difference between glutamic acid and lysine.